The following is an entry in ClinVar:

ClinVar aggregate classification (germline): Uncertain significance (1 of 4 stars; one submission).

Submission:

GeneDx
Classification: Uncertain significance. Last evaluated: 2024-11-20. Review status: criteria provided, single submitter. Criteria: GeneDx Variant Classification Process June 2021. Collection method: clinical testing. Allele origin: germline. Affected: yes.
Comment: Not observed at significant frequency in large population cohorts (gnomAD); Missense variant in a gene in which most reported pathogenic variants are truncating/loss of function; Has not been previously published as pathogenic or benign to our knowledge

NM_001267550.2(TTN):c.32374G>A (p.Glu10792Lys)

Gene: TTN (titin; minus strand). Cytogenetic location: 2q31.2.
Variant type: single nucleotide variant.
Coding change: c.32374G>A on transcript NM_001267550.2 (MANE Select); coding-DNA position 32374, G replaced by A.
Protein change: p.Glu10792Lys; replaces glutamic acid 10792 with lysine.
Molecular consequence: missense variant. On other transcripts: intron variant (3).
Genome position (GRCh38, 1-based): chr2:178,685,536, C>T on the plus strand (G>A on the coding strand, the complement: TTN is on the minus strand). VCF-style: chr2-178685536-C-T. GRCh37 (hg19) VCF-style: chr2-179550263-C-T.
Other names: c.31423G>A, p.Glu10475Lys (NM_001256850.1); c.28642G>A, p.Glu9548Lys (NM_133378.4); c.13283-43219G>A (NM_003319.4); c.13859-43219G>A (NM_133437.4); c.13658-43219G>A (NM_133432.3); short protein forms E10475K, E10792K, E9548K.
Identifiers: ClinVar variation 3900578 (VCV003900578.1).